The following is an entry in ClinVar:

NM_001042492.3(NF1):c.2036_2043dup (p.Gln682fs)

Gene: NF1 (neurofibromin 1; plus strand). Cytogenetic location: 17q11.2.
Variant type: Duplication.
Coding change: c.2036_2043dup on transcript NM_001042492.3 (MANE Select); coding-DNA positions 2036 to 2043, 8 bases duplicated (TTTGCCGA; older notation c.2036_2043dupTTTGCCGA).
Protein change: p.Gln682fs; shifts the reading frame from glutamine 682.
Molecular consequence: frameshift variant.
Genome position (GRCh38, 1-based): chr17:31,226,469-31,226,476, TTTGCCGA duplicated; duplicating any 8 consecutive bases within chr17:31,226,465-31,226,476 gives the same sequence; the c. name uses the placement nearest the transcript's 3' end. VCF-style (leftmost placement, unchanged base first): chr17-31226464-C-CCCGATTTG. GRCh37 (hg19) VCF-style: chr17-29553482-C-CCCGATTTG.
Other names: c.2036_2043dupTTTGCCGA (NM_000267.3); c.2036_2043dup, p.Gln682Phefs (NM_000267.4); short protein forms Q682fs.
Identifiers: ClinVar variation 1072634 (VCV001072634.7), dbSNP rs2151425597, ClinGen allele CA2499224040.

ClinVar aggregate classification (germline): Pathogenic. Review status: criteria provided, multiple submitters, no conflicts (2 of 4 stars). 2 submissions from 2 submitters: Pathogenic (2). Last evaluated 2024-10-09.

Conditions:
Hereditary cancer-predisposing syndrome. Also called: Neoplastic Syndromes, Hereditary; Hereditary neoplastic syndrome; Tumor predisposition; Hereditary Cancer Syndrome. Identifiers: Orphanet 140162, MedGen C0027672, MeSH D009386, MONDO:0015356.
Cardiovascular phenotype. Identifiers: MedGen CN230736.
Neurofibromatosis, type 1 (NF1). Also called: VON RECKLINGHAUSEN DISEASE; Peripheral type neurofibromatosis; NEUROFIBROMATOSIS, TYPE I, SOMATIC; Neurofibromatosis, type I. Identifiers: Orphanet 636, MedGen C0027831, MONDO:0018975, OMIM 162200. Disease mechanism: loss of function.

Submissions (2):

Labcorp Genetics (formerly Invitae), Labcorp
Classification: Pathogenic for Neurofibromatosis, type 1. Last evaluated: 2024-10-09. Review status: criteria provided, single submitter. Criteria: Invitae Variant Classification Sherloc (09022015). Collection method: clinical testing. Allele origin: germline.
Comment: This sequence change creates a premature translational stop signal (p.Gln682Phefs*9) in the NF1 gene. It is expected to result in an absent or disrupted protein product. Loss-of-function variants in NF1 are known to be pathogenic (PMID: 10712197, 23913538). This variant is not present in population databases (gnomAD no frequency). This variant has not been reported in the literature in individuals affected with NF1-related conditions. ClinVar contains an entry for this variant (Variation ID: 1072634). For these reasons, this variant has been classified as Pathogenic.

Ambry Genetics
Classification: Pathogenic for Cardiovascular phenotype; Hereditary cancer-predisposing syndrome. Last evaluated: 2020-03-31. Review status: criteria provided, single submitter. Criteria: Ambry Variant Classification Scheme 2023. Collection method: clinical testing. Allele origin: germline.
Comment: The c.2036_2043dupTTTGCCGA pathogenic mutation, located in coding exon 18 of the NF1 gene, results from a duplication of TTTGCCGA at nucleotide position 2036, causing a translational frameshift with a predicted alternate stop codon (p.Q682Ffs*9). This alteration is expected to result in loss of function by premature protein truncation or nonsense-mediated mRNA decay. As such, this alteration is interpreted as a disease-causing mutation.

Literature cited by the submitters: PubMed 10712197 (cited by Labcorp Genetics (formerly Invitae), Labcorp); PubMed 23913538 (cited by Labcorp Genetics (formerly Invitae), Labcorp).